The following is an entry in ClinVar:

NM_000065.5(C6):c.2010T>G (p.Ile670Met)

Gene: C6 (complement C6; minus strand). Cytogenetic location: 5p13.1.
Variant type: single nucleotide variant.
Coding change: c.2010T>G on transcript NM_000065.5 (MANE Select); coding-DNA position 2010, T replaced by G.
Protein change: p.Ile670Met; replaces isoleucine 670 with methionine.
Molecular consequence: missense variant.
Genome position (GRCh38, 1-based): chr5:41,155,063, A>C on the plus strand (T>G on the coding strand, the complement: C6 is on the minus strand). VCF-style: chr5-41155063-A-C. GRCh37 (hg19) VCF-style: chr5-41155165-A-C.
Other names: c.2010T>G, p.Ile670Met (NM_001115131.4); c.2010T>G (NM_000065.2); short protein forms I670M.
Identifiers: ClinVar variation 1506069 (VCV001506069.5), dbSNP rs770158255, ClinGen allele CA3252238.

ClinVar aggregate classification (germline): Uncertain significance. Review status: criteria provided, multiple submitters, no conflicts (2 of 4 stars). 3 submissions from 3 submitters: Uncertain significance (3). Last evaluated 2025-03-20.

Conditions:
Inborn genetic diseases. Identifiers: MedGen C0950123, MeSH D030342.

Allele frequency attached by ClinVar (database versions not stated): TOPMed 0.00001; gnomAD 0.00005; gnomAD exomes 0.00006; ExAC 0.00007.
gnomAD v4.1: 69 of 1,613,592 alleles (0.0043%); highest among the groups gnomAD compares: South Asian, 0.074%; no homozygotes.

Submissions (3):

Ambry Genetics
Classification: Uncertain significance for Inborn genetic diseases. Last evaluated: 2025-03-20. Review status: criteria provided, single submitter. Criteria: Ambry Variant Classification Scheme 2023. Collection method: clinical testing. Allele origin: germline.

Blueprint Genetics
Classification: Uncertain significance. Last evaluated: 2024-09-11. Review status: criteria provided, single submitter. Criteria: ACMG Guidelines, 2015. Collection method: clinical testing. Allele origin: germline.

Labcorp Genetics (formerly Invitae), Labcorp
Classification: Uncertain significance. Last evaluated: 2022-04-07. Review status: criteria provided, single submitter. Criteria: Invitae Variant Classification Sherloc (09022015). Collection method: clinical testing. Allele origin: germline.
Comment: This sequence change replaces isoleucine, which is neutral and non-polar, with methionine, which is neutral and non-polar, at codon 670 of the C6 protein (p.Ile670Met). This variant is present in population databases (rs770158255, gnomAD 0.05%). This variant has not been reported in the literature in individuals affected with C6-related conditions. Algorithms developed to predict the effect of missense changes on protein structure and function are either unavailable or do not agree on the potential impact of this missense change (SIFT: "Deleterious"; PolyPhen-2: "Probably Damaging"; Align-GVGD: "Class C0"). In summary, the available evidence is currently insufficient to determine the role of this variant in disease. Therefore, it has been classified as a Variant of Uncertain Significance.